The following is an entry in ClinVar:

ClinVar aggregate classification (germline): Uncertain significance. Review status: criteria provided, multiple submitters, no conflicts (2 of 4 stars). 2 submissions from 2 submitters: Uncertain significance (2). Last evaluated 2025-11-03.

Allele frequency attached by ClinVar (database versions not stated): gnomAD exomes 0.00007 and 0.00002; ExAC 0.00017; gnomAD 0.00027 and 0.00030; TOPMed 0.00029; 1000 Genomes Project 0.00040; ESP Exome Variant Server 0.00046; 1000 Genomes Project 30x 0.00047.
gnomAD v4.1: 68 of 1,559,032 alleles (0.0044%); highest among the groups gnomAD compares: African/African-American, 0.087%; no homozygotes.

Submissions (2):

Labcorp Genetics (formerly Invitae), Labcorp
Classification: Uncertain significance. Last evaluated: 2025-11-03. Review status: criteria provided, single submitter. Criteria: Invitae Variant Classification Sherloc (09022015). Collection method: clinical testing. Allele origin: germline.
Comment: This sequence change replaces valine, which is neutral and non-polar, with alanine, which is neutral and non-polar, at codon 551 of the IL2RB protein (p.Val551Ala). This variant is present in population databases (rs147038391, gnomAD 0.1%). This variant has not been reported in the literature in individuals affected with IL2RB-related conditions. ClinVar contains an entry for this variant (Variation ID: 1430838). An algorithm developed to predict the effect of missense changes on protein structure and function outputs the following: PolyPhen-2: "Benign". The alanine amino acid residue is found in multiple mammalian species, which suggests that this missense change does not adversely affect protein function. In summary, the available evidence is currently insufficient to determine the role of this variant in disease. Therefore, it has been classified as a Variant of Uncertain Significance.

Ambry Genetics
Classification: Uncertain significance. Last evaluated: 2022-09-06. Review status: criteria provided, single submitter. Criteria: Ambry Variant Classification Scheme 2023. Collection method: clinical testing. Allele origin: germline.

NM_000878.5(IL2RB):c.1652T>C (p.Val551Ala)

Gene: IL2RB (interleukin 2 receptor subunit beta; minus strand). Cytogenetic location: 22q12.3.
Variant type: single nucleotide variant.
Coding change: c.1652T>C on transcript NM_000878.5 (MANE Select); coding-DNA position 1652, T replaced by C.
Protein change: p.Val551Ala; replaces valine 551 with alanine.
Molecular consequence: missense variant.
Genome position (GRCh38, 1-based): chr22:37,128,100, A>G on the plus strand (T>C on the coding strand, the complement: IL2RB is on the minus strand). VCF-style: chr22-37128100-A-G. GRCh37 (hg19) VCF-style: chr22-37524140-A-G.
Other names: c.1652T>C, p.Val551Ala (NM_001346222.1, NM_001346223.2); c.1652T>C (NM_000878.2); short protein forms V551A.
Identifiers: ClinVar variation 1430838 (VCV001430838.8), dbSNP rs147038391, ClinGen allele CA10216295.